The following is an entry in ClinVar:

ClinVar aggregate classification (germline): Pathogenic (1 of 4 stars; one submission).

Conditions:
Rhabdoid tumor predisposition syndrome 2 (RTPS2). Identifiers: Orphanet 231108, Orphanet 69077, MedGen C2750074, MONDO:0013224, OMIM 613325.

Submission:

Labcorp Genetics (formerly Invitae), Labcorp
Classification: Pathogenic for Rhabdoid tumor predisposition syndrome 2. Last evaluated: 2017-08-22. Review status: criteria provided, single submitter. Criteria: Invitae Variant Classification Sherloc (09022015). Collection method: clinical testing. Allele origin: germline.
Comment: This variant is not present in population databases (ExAC no frequency). This variant has not been reported in the literature in individuals with SMARCA4-related disease. Loss-of-function variants in SMARCA4 are known to be pathogenic (PMID: 24658001, 24658002). This sequence change creates a premature translational stop signal (p.Pro328Aspfs*57) in the SMARCA4 gene. It is expected to result in an absent or disrupted protein product. For these reasons, this variant has been classified as Pathogenic.

Literature cited by the submitters: PubMed 24658001; PubMed 24658002.

NM_003072.5(SMARCA4):c.982_986del (p.Pro328fs)

Gene: SMARCA4 (SWI/SNF related BAF chromatin remodeling complex subunit ATPase 4; plus strand). Cytogenetic location: 19p13.2.
Variant type: Deletion.
Coding change: c.982_986del on transcript NM_003072.5 (MANE Select); coding-DNA positions 982 to 986, 5 bases deleted (CCGCA; older notation c.982_986delCCGCA).
Protein change: p.Pro328fs; shifts the reading frame from proline 328.
Molecular consequence: frameshift variant. On other transcripts: non-coding transcript variant (1).
Genome position (GRCh38, 1-based): chr19:10,987,788-10,987,792, CCGCA deleted; deleting any 5 consecutive bases within chr19:10,987,786-10,987,792 gives the same sequence; the c. name uses the placement nearest the transcript's 3' end. VCF-style (leftmost placement, unchanged base first): chr19-10987785-CCACCG-C. GRCh37 (hg19) VCF-style: chr19-11098461-CCACCG-C.
Other names: c.982_986del, p.Pro328fs (NM_001128844.3, NM_001128845.2, NM_001128846.2 and 5 more transcripts); short protein forms P328fs.
Identifiers: ClinVar variation 537779 (VCV000537779.6), dbSNP rs1555755067, ClinGen allele CA658799129.